The following is an entry in ClinVar:

ClinVar aggregate classification (germline): Pathogenic. Review status: criteria provided, multiple submitters, no conflicts (2 of 4 stars). 4 submissions from 4 submitters: Pathogenic (2). 2 of the submissions do not count toward it. Last evaluated 2023-11-10.

Conditions:
Autosomal recessive limb-girdle muscular dystrophy type 2O. Also called: MUSCULAR DYSTROPHY-DYSTROGLYCANOPATHY (LIMB-GIRDLE), TYPE C, 3; MUSCULAR DYSTROPHY-DYSTROGLYCANOPATHY, LIMB-GIRDLE, POMGNT1-RELATED; Limb-Girdle Muscular Dystrophy Type 3C. Identifiers: Orphanet 206564, MedGen C3150417, MONDO:0013161, OMIM 613157.
Muscular dystrophy-dystroglycanopathy (congenital with impaired intellectual development), type B, 3. Also called: Muscular dystrophy-dystroglycanopathy (congenital with intellectual disability), type B3; MUSCULAR DYSTROPHY, CONGENITAL, POMGNT1-RELATED. Identifiers: MedGen C3150412, MONDO:0013155, OMIM 613151.
Muscular dystrophy-dystroglycanopathy (congenital with brain and eye anomalies), type A3. Also called: Muscular dystrophy-dystroglycanopathy (congenital with brain and eye anomalies), type A, 3; Congenital muscular dystrophy-dystroglycanopathy with brain and eye anomalies, type A3; WALKER-WARBURG SYNDROME OR MUSCLE-EYE-BRAIN DISEASE, POMGNT1-RELATED. Identifiers: MedGen C3151519, MONDO:0009667, OMIM 253280.
Muscle eye brain disease (MEB). Also called: Santavuori congenital muscular dystrophy. Identifiers: Orphanet 588, Orphanet 899, MedGen C0457133, MONDO:0018939.

Submissions (4):

Labcorp Genetics (formerly Invitae), Labcorp
Classification: Pathogenic for Autosomal recessive limb-girdle muscular dystrophy type 2O; Muscular dystrophy-dystroglycanopathy (congenital with impaired intellectual development), type B, 3. Last evaluated: 2023-11-10. Review status: criteria provided, single submitter. Criteria: Invitae Variant Classification Sherloc (09022015). Collection method: clinical testing. Allele origin: germline.
Comment: This sequence change creates a premature translational stop signal (p.Trp451Alafs*11) in the POMGNT1 gene. It is expected to result in an absent or disrupted protein product. Loss-of-function variants in POMGNT1 are known to be pathogenic (PMID: 19299310, 20816175, 21447391, 26908613, 27391550). This variant is not present in population databases (gnomAD no frequency). This premature translational stop signal has been observed in individual(s) with POMGNT1-related conditions (PMID: 17906881, 32404165). ClinVar contains an entry for this variant (Variation ID: 56581). For these reasons, this variant has been classified as Pathogenic.

Laboratory of Molecular Genetics (Pr. Bezieau's lab), CHU de Nantes
Classification: Pathogenic. Last evaluated: 2018-07-19. Review status: criteria provided, single submitter. Criteria: ACMG Guidelines, 2015. Collection method: clinical testing. Allele origin: germline. Affected: yes.

Counsyl
Classification: Pathogenic for Muscular dystrophy-dystroglycanopathy (congenital with brain and eye anomalies), type A3. Last evaluated: 2016-10-28. Review status: no assertion criteria provided. Collection method: clinical testing. Allele origin: unknown. Not counted in ClinVar's aggregate classification.

Juha Muilu Group; Institute for Molecular Medicine Finland (FIMM)
Classification: Likely pathogenic for Muscle eye brain disease. Review status: no assertion criteria provided. Collection method: not provided. Allele origin: unknown. Not counted in ClinVar's aggregate classification.
Comment: FinDis database variant: This variant was not found or characterized by our laboratory, data were collected from public sources: see reference
ClinVar note: Converted during submission from probable-pathogenic to Likely pathogenic.

Literature cited by the submitters: PubMed 19299310 (cited by Labcorp Genetics (formerly Invitae), Labcorp); PubMed 20816175 (cited by Labcorp Genetics (formerly Invitae), Labcorp); PubMed 21447391 (cited by Labcorp Genetics (formerly Invitae), Labcorp); PubMed 26908613 (cited by Labcorp Genetics (formerly Invitae), Labcorp); PubMed 27391550 (cited by Labcorp Genetics (formerly Invitae), Labcorp); PubMed 17906881 (cited by Labcorp Genetics (formerly Invitae), Labcorp and Counsyl); PubMed 32404165 (cited by Labcorp Genetics (formerly Invitae), Labcorp); PubMed 24731844 (cited by Counsyl).

NM_017739.4(POMGNT1):c.1350_1354del (p.Trp451fs)

Genes: POMGNT1 (protein O-linked mannose N-acetylglucosaminyltransferase 1 (beta 1,2-); minus strand), TSPAN1 (tetraspanin 1; plus strand). Cytogenetic location: 1p34.1.
Variant type: Microsatellite.
Coding change: c.1350_1354del on transcript NM_017739.4 (MANE Select); coding-DNA positions 1350 to 1354, 5 bases deleted (CTGGG; older notation c.1350_1354delCTGGG).
Protein change: p.Trp451fs; shifts the reading frame from tryptophan 451.
Molecular consequence: frameshift variant.
Genome position (GRCh38, 1-based): chr1:46,192,367-46,192,371, CCCAG deleted on the plus strand (CTGGG on the coding strand, the reverse complement: POMGNT1 is on the minus strand); deleting any 5 consecutive bases within chr1:46,192,367-46,192,381 gives the same sequence; the c. name uses the placement nearest the transcript's 3' end. VCF-style (leftmost placement, unchanged base first): chr1-46192366-ACCCAG-A. GRCh37 (hg19) VCF-style: chr1-46658038-ACCCAG-A.
Other names: c.1350_1354del, p.Trp451fs (NM_001243766.2, NM_001410783.1); c.1274_1278CTGGG[2], p.Trp429Alafs (NM_001290129.3); c.921_925del, p.Trp308fs (NM_001290130.2); c.1350_1354delCTGGG (NM_017739.3); c.1350_1354del (NM_001243766.1); short protein forms W308fs, W429fs, W451fs.
Identifiers: ClinVar variation 56581 (VCV000056581.8), dbSNP rs386834015, ClinGen allele CA263948.